The following is an entry in ClinVar:

ClinVar aggregate classification (germline): Uncertain significance (1 of 4 stars; one submission).

Conditions:
Adams-Oliver syndrome 5 (AOS5). Identifiers: Orphanet 974, MedGen C4014970, MONDO:0014459, OMIM 616028.

Submission:

Labcorp Genetics (formerly Invitae), Labcorp
Classification: Uncertain significance for Adams-Oliver syndrome 5. Last evaluated: 2024-08-05. Review status: criteria provided, single submitter. Criteria: Invitae Variant Classification Sherloc (09022015). Collection method: clinical testing. Allele origin: germline.
Comment: This sequence change falls in intron 18 of the NOTCH1 gene. It does not directly change the encoded amino acid sequence of the NOTCH1 protein. It affects a nucleotide within the consensus splice site. This variant is not present in population databases (gnomAD no frequency). This variant has not been reported in the literature in individuals affected with NOTCH1-related conditions. Variants that disrupt the consensus splice site are a relatively common cause of aberrant splicing (PMID: 17576681, 9536098). Algorithms developed to predict the effect of sequence changes on RNA splicing suggest that this variant is not likely to affect RNA splicing. In summary, the available evidence is currently insufficient to determine the role of this variant in disease. Therefore, it has been classified as a Variant of Uncertain Significance.

Literature cited by the submitters: PubMed 17576681; PubMed 9536098.

NM_017617.5(NOTCH1):c.2969+2TG[3]

Gene: NOTCH1 (notch receptor 1; minus strand). Cytogenetic location: 9q34.3.
Variant type: Microsatellite.
Coding change: c.2969+2TG[3] on transcript NM_017617.5 (MANE Select); three copies in a row of the 2-base unit TG starting at c.2969+2; the reference has two copies in a row; one copy, 2 bases duplicated.
Molecular consequence: splice donor variant.
Genome position (GRCh38, 1-based): chr9:136,509,728-136,509,729, CA duplicated on the plus strand (TG on the coding strand, the reverse complement: NOTCH1 is on the minus strand); duplicating any 2 consecutive bases within chr9:136,509,728-136,509,732 gives the same sequence; the position shown is the placement nearest the transcript's 3' end. VCF-style (leftmost placement, unchanged base first): chr9-136509727-G-GCA. GRCh37 (hg19) VCF-style: chr9-139404179-G-GCA.
Identifiers: ClinVar variation 3019783 (VCV003019783.3), dbSNP rs2540445545, ClinGen allele CA2692634706.